The following is an entry in ClinVar:

ClinVar aggregate classification (germline): Conflicting classifications of pathogenicity. Review status: criteria provided, conflicting classifications (1 of 4 stars). 2 submissions from 2 submitters: Uncertain significance (1); Likely benign (1). Last evaluated 2026-05-07.

Conditions:
PHIP-related disorder. Also called: PHIP-related condition; PHIP-related disorders.

Allele frequency attached by ClinVar (database versions not stated): ExAC 0.00001.
gnomAD v4.1: 4 of 1,585,586 alleles (0.00025%); no homozygotes.

Submissions (2):

PreventionGenetics, part of Exact Sciences
Classification: Likely benign for PHIP-related condition. Last evaluated: 2026-05-07. Review status: criteria provided, single submitter. Criteria: ACMG Guidelines, 2015. Collection method: clinical testing. Allele origin: germline.
Comment: This variant is classified as likely benign based on ACMG/AMP sequence variant interpretation guidelines (Richards et al. 2015 PMID: 25741868, with internal and published modifications).

Labcorp Genetics (formerly Invitae), Labcorp
Classification: Uncertain significance. Last evaluated: 2023-02-28. Review status: criteria provided, single submitter. Criteria: Invitae Variant Classification Sherloc (09022015). Collection method: clinical testing. Allele origin: germline.
Comment: This variant is present in population databases (rs751604811, gnomAD 0.006%). In summary, the available evidence is currently insufficient to determine the role of this variant in disease. Therefore, it has been classified as a Variant of Uncertain Significance. Variants that disrupt the consensus splice site are a relatively common cause of aberrant splicing (PMID: 17576681, 9536098). Algorithms developed to predict the effect of sequence changes on RNA splicing suggest that this variant is not likely to affect RNA splicing. This variant has not been reported in the literature in individuals affected with PHIP-related conditions. This sequence change falls in intron 13 of the PHIP gene. It does not directly change the encoded amino acid sequence of the PHIP protein. It affects a nucleotide within the consensus splice site.

Literature cited by the submitters: PubMed 17576681 (cited by Labcorp Genetics (formerly Invitae), Labcorp); PubMed 9536098 (cited by Labcorp Genetics (formerly Invitae), Labcorp).

NM_017934.7(PHIP):c.1235+6A>T

Gene: PHIP (PHIP subunit of CUL4-Ring ligase complex; minus strand). Cytogenetic location: 6q14.1.
Variant type: single nucleotide variant.
Coding change: c.1235+6A>T on transcript NM_017934.7 (MANE Select); 6 bases into the intron after coding-DNA position 1235, A replaced by T.
Molecular consequence: intron variant.
Genome position (GRCh38, 1-based): chr6:79,016,538, T>A on the plus strand (A>T on the coding strand, the complement: PHIP is on the minus strand). VCF-style: chr6-79016538-T-A. GRCh37 (hg19) VCF-style: chr6-79726255-T-A.
Other names: c.1235+6A>T (NM_017934.6).
Identifiers: ClinVar variation 2872250 (VCV002872250.4), dbSNP rs751604811, ClinGen allele CA3900203.
Genomic context (GRCh38, chr6:79,016,538, plus strand): 5'-CAACCTGCACTATAACATACTTTAAAAAATCAATATATACATAATATTTCAAATTTGACC[T>A]CTTACCCTGCTGGACGAGTAGCCATATCCAACAAAATGCTCTTCCACTCTCTTCGTTTAA-3'